The following is an entry in ClinVar:

NM_003924.4(PHOX2B):c.29A>G (p.Asn10Ser)

Genes: PHOX2B-AS1 (PHOX2B antisense RNA 1; plus strand), PHOX2B (paired like homeobox 2B; minus strand). Cytogenetic location: 4p13.
Variant type: single nucleotide variant.
Coding change: c.29A>G on transcript NM_003924.4 (MANE Select); coding-DNA position 29, A replaced by G.
Protein change: p.Asn10Ser; replaces asparagine 10 with serine.
Molecular consequence: missense variant.
Genome position (GRCh38, 1-based): chr4:41,748,582, T>C on the plus strand (A>G on the coding strand, the complement: PHOX2B is on the minus strand). VCF-style: chr4-41748582-T-C. GRCh37 (hg19) VCF-style: chr4-41750599-T-C.
Other names: short protein forms N10S.
Identifiers: ClinVar variation 1052107 (VCV001052107.12), dbSNP rs1255325771, ClinGen allele CA356741348.

ClinVar aggregate classification (germline): Uncertain significance. Review status: criteria provided, multiple submitters, no conflicts (2 of 4 stars). 2 submissions from 2 submitters: Uncertain significance (2). Last evaluated 2024-11-21.

Conditions:
Hereditary cancer-predisposing syndrome. Also called: Tumor predisposition; Hereditary neoplastic syndrome; Hereditary Cancer Syndrome; Neoplastic Syndromes, Hereditary. Identifiers: Orphanet 140162, MedGen C0027672, MeSH D009386, MONDO:0015356.
Haddad syndrome (OHD). Also called: Ondine-Hirschsprung disease. Identifiers: Orphanet 99803, MedGen C1859049, MONDO:0020493.

Allele frequency attached by ClinVar (database versions not stated): gnomAD exomes below 0.00001; gnomAD 0.00001.
gnomAD v4.1: 5 of 1,613,240 alleles (0.00031%); highest among the groups gnomAD compares: African/African-American, 0.004%; no homozygotes.

Submissions (2):

Ambry Genetics
Classification: Uncertain significance for Hereditary cancer-predisposing syndrome. Last evaluated: 2024-11-21. Review status: criteria provided, single submitter. Criteria: Ambry Variant Classification Scheme 2023. Collection method: clinical testing. Allele origin: germline.
Comment: The p.N10S variant (also known as c.29A>G), located in coding exon 1 of the PHOX2B gene, results from an A to G substitution at nucleotide position 29. The asparagine at codon 10 is replaced by serine, an amino acid with highly similar properties. This amino acid position is highly conserved in available vertebrate species. In addition, the in silico prediction for this alteration is inconclusive. Based on the available evidence, the clinical significance of this variant remains unclear.

Labcorp Genetics (formerly Invitae), Labcorp
Classification: Uncertain significance for Haddad syndrome. Last evaluated: 2023-08-04. Review status: criteria provided, single submitter. Criteria: Invitae Variant Classification Sherloc (09022015). Collection method: clinical testing. Allele origin: germline.
Comment: This sequence change replaces asparagine, which is neutral and polar, with serine, which is neutral and polar, at codon 10 of the PHOX2B protein (p.Asn10Ser). In summary, the available evidence is currently insufficient to determine the role of this variant in disease. Therefore, it has been classified as a Variant of Uncertain Significance. An algorithm developed to predict the effect of missense changes on protein structure and function (PolyPhen-2) suggests that this variant is likely to be disruptive. ClinVar contains an entry for this variant (Variation ID: 1052107). This missense change has been observed in individual(s) with neuroblastoma (PMID: 18292934). This variant is present in population databases (no rsID available, gnomAD 0.008%).

Literature cited by the submitters: PubMed 18292934 (cited by Ambry Genetics and Labcorp Genetics (formerly Invitae), Labcorp).